The following is an entry in ClinVar:

NM_024301.5(FKRP):c.616G>A (p.Asp206Asn)

Gene: FKRP (fukutin related protein; plus strand). Cytogenetic location: 19q13.32.
Variant type: single nucleotide variant.
Coding change: c.616G>A on transcript NM_024301.5 (MANE Select); coding-DNA position 616, G replaced by A.
Protein change: p.Asp206Asn; replaces aspartic acid 206 with asparagine.
Molecular consequence: missense variant.
Genome position (GRCh38, 1-based): chr19:46,756,066, G>A. VCF-style: chr19-46756066-G-A. GRCh37 (hg19) VCF-style: chr19-47259323-G-A.
Other names: c.616G>A, p.Asp206Asn (NM_001039885.3); short protein forms D206N.
Identifiers: ClinVar variation 1021797 (VCV001021797.7), dbSNP rs1037585549, ClinGen allele CA309099380.

ClinVar aggregate classification (germline): Uncertain significance. Review status: criteria provided, multiple submitters, no conflicts (2 of 4 stars). 2 submissions from 2 submitters: Uncertain significance (2). Last evaluated 2021-09-14.

Conditions:
Muscular dystrophy-dystroglycanopathy (congenital with brain and eye anomalies), type A5. Also called: WALKER-WARBURG SYNDROME OR MUSCLE-EYE-BRAIN DISEASE, FKRP-RELATED; MUSCULAR DYSTROPHY-DYSTROGLYCANOPATHY (CONGENITAL WITH BRAIN AND EYE ANOMALIES), TYPE A, 5. Identifiers: Orphanet 588, Orphanet 899, MedGen C3150413, MONDO:0013157, OMIM 613153.
Autosomal recessive limb-girdle muscular dystrophy type 2I. Also called: MUSCULAR DYSTROPHY-DYSTROGLYCANOPATHY, LIMB-GIRDLE, FRKP-RELATED; MUSCULAR DYSTROPHY, LIMB-GIRDLE, TYPE 2I; MUSCULAR DYSTROPHY-DYSTROGLYCANOPATHY (LIMB-GIRDLE), TYPE C, 5. Identifiers: Orphanet 34515, MedGen C1846672, MONDO:0011787, OMIM 607155.
Muscular dystrophy-dystroglycanopathy type B5 (MDDGB5). Also called: MUSCULAR DYSTROPHY, CONGENITAL, 1C; MUSCULAR DYSTROPHY, CONGENITAL, FKRP-RELATED; MUSCULAR DYSTROPHY-DYSTROGLYCANOPATHY (CONGENITAL WITH OR WITHOUT IMPAIRED INTELLECTUAL DEVELOPMENT), TYPE B, 5. Identifiers: MedGen C1847759, MONDO:0011688, OMIM 606612.
Muscular dystrophy-dystroglycanopathy (congenital with brain and eye anomalies), type A1 (MDDGA1). Also called: WALKER-WARBURG SYNDROME OR MUSCLE-EYE-BRAIN DISEASE, POMT1-RELATED; Muscular dystrophy-dystroglycanopathy (congenital with brain and eye anomalies), type A, 1; COD-MD SYNDROME; Hydrocephalus, agyria and retinal dysplasia; Hard +/- E syndrome; Warburg syndrome. Identifiers: Orphanet 588, Orphanet 899, MedGen C4284790, MONDO:0009364, OMIM 236670.
Walker-Warburg congenital muscular dystrophy. Also called: Muscular dystrophy-dystroglycanopathy, type A; Walker-Warburg syndrome. Identifiers: Orphanet 899, MedGen C0265221, MONDO:0000171.

Allele frequency attached by ClinVar (database versions not stated): TOPMed below 0.00001.

Submissions (2):

Fulgent Genetics
Classification: Uncertain significance for Muscular dystrophy-dystroglycanopathy (congenital with brain and eye anomalies), type A1; Muscular dystrophy-dystroglycanopathy type B5; Autosomal recessive limb-girdle muscular dystrophy type 2I; Muscular dystrophy-dystroglycanopathy (congenital with brain and eye anomalies), type A5. Last evaluated: 2021-09-14. Review status: criteria provided, single submitter. Criteria: ACMG Guidelines, 2015. Collection method: clinical testing. Allele origin: unknown.

Labcorp Genetics (formerly Invitae), Labcorp
Classification: Uncertain significance for Walker-Warburg congenital muscular dystrophy. Last evaluated: 2021-08-28. Review status: criteria provided, single submitter. Criteria: Invitae Variant Classification Sherloc (09022015). Collection method: clinical testing. Allele origin: germline.
Comment: This sequence change replaces aspartic acid with asparagine at codon 206 of the FKRP protein (p.Asp206Asn). The aspartic acid residue is highly conserved and there is a small physicochemical difference between aspartic acid and asparagine. This variant is not present in population databases (ExAC no frequency). This variant has not been reported in the literature in individuals affected with FKRP-related conditions. Algorithms developed to predict the effect of missense changes on protein structure and function are either unavailable or do not agree on the potential impact of this missense change (SIFT: "Tolerated"; PolyPhen-2: "Probably Damaging"; Align-GVGD: "Class C0"). In summary, the available evidence is currently insufficient to determine the role of this variant in disease. Therefore, it has been classified as a Variant of Uncertain Significance.